The following is an entry in ClinVar:

NM_005235.3(ERBB4):c.1015_1034del (p.Thr339fs)

Gene: ERBB4 (erb-b2 receptor tyrosine kinase 4; minus strand). Cytogenetic location: 2q34.
Variant type: Deletion.
Coding change: c.1015_1034del on transcript NM_005235.3 (MANE Select); coding-DNA positions 1015 to 1034, 20 bases deleted (ACAGGATCATTGATGTCAGC).
Protein change: p.Thr339fs; shifts the reading frame from threonine 339.
Molecular consequence: frameshift variant.
Genome position (GRCh38, 1-based): chr2:211,712,140-211,712,159, GCTGACATCAATGATCCTGT deleted on the plus strand (ACAGGATCATTGATGTCAGC on the coding strand, the reverse complement: ERBB4 is on the minus strand); deleting any 20 consecutive bases within chr2:211,712,140-211,712,161 gives the same sequence; the c. name uses the placement nearest the transcript's 3' end. VCF-style (leftmost placement, unchanged base first): chr2-211712139-AGCTGACATCAATGATCCTGT-A. GRCh37 (hg19) VCF-style: chr2-212576864-AGCTGACATCAATGATCCTGT-A.
Other names: c.1013_1032del20, p.Thr339Serfs (NM_001042599.2); short protein forms T339fs.
Identifiers: ClinVar variation 2208868 (VCV002208868.2), dbSNP rs2470000000, ClinGen allele CA2580065557.

ClinVar aggregate classification (germline): Pathogenic (1 of 4 stars; one submission).

Conditions:
Inborn genetic diseases. Identifiers: MedGen C0950123, MeSH D030342.

Submission:

Ambry Genetics
Classification: Pathogenic for Inborn genetic diseases. Last evaluated: 2022-10-07. Review status: criteria provided, single submitter. Criteria: Ambry Variant Classification Scheme 2023. Collection method: clinical testing. Allele origin: germline.
Comment: The c.1015_1034del20 (p.T339Sfs*7) alteration, located in exon 9 (coding exon 9) of the ERBB4 gene, consists of a deletion of 20 nucleotides from position 1015 to 1034, causing a translational frameshift with a predicted alternate stop codon after 7 amino acids. This alteration is expected to result in loss of function by premature protein truncation or nonsense-mediated mRNA decay. This variant was not reported in population-based cohorts in the Genome Aggregation Database (gnomAD). Based on the available evidence, this alteration is classified as pathogenic.